The following is an entry in ClinVar:

NM_001267550.2(TTN):c.84451C>A (p.Pro28151Thr)

Genes: TTN (titin; minus strand), TTN-AS1 (TTN antisense RNA 1; plus strand). Cytogenetic location: 2q31.2.
Variant type: single nucleotide variant.
Coding change: c.84451C>A on transcript NM_001267550.2 (MANE Select); coding-DNA position 84451, C replaced by A.
Protein change: p.Pro28151Thr; replaces proline 28151 with threonine.
Molecular consequence: missense variant.
Genome position (GRCh38, 1-based): chr2:178,561,681, G>T on the plus strand (C>A on the coding strand, the complement: TTN is on the minus strand). VCF-style: chr2-178561681-G-T. GRCh37 (hg19) VCF-style: chr2-179426408-G-T.
Other names: c.79528C>A, p.Pro26510Thr (NM_001256850.1); c.57256C>A, p.Pro19086Thr (NM_003319.4); c.57631C>A, p.Pro19211Thr (NM_133432.3); c.57832C>A, p.Pro19278Thr (NM_133437.4); c.76747C>A, p.Pro25583Thr (NM_133378.4); short protein forms P25583T, P28151T, P19211T, P19086T, P19278T, P26510T.
Identifiers: ClinVar variation 179448 (VCV000179448.8), dbSNP rs727504873, ClinGen allele CA184435.
Genomic context (GRCh38, chr2:178,561,681, plus strand): 5'-TGGTAGATTTTGTGGCATGCACAACTTTAGGAGTACCAGGAGGACCTGGGGGACTGAATG[G>T]ATACTCTGCAACAACAGCTGAAGATTCACTGTAGGAGCTCTTTCCATAGCGGTTTTCTGC-3'
Protein context (NP_001254479.2, residues 28141-28161): SESSAVVAEY[Pro28151Thr]FSPPGPPGTP

ClinVar aggregate classification (germline): Uncertain significance. Review status: criteria provided, multiple submitters, no conflicts (2 of 4 stars). 2 submissions from 2 submitters: Uncertain significance (2). Last evaluated 2022-09-27.

Submissions (2):

Revvity Omics, Revvity
Classification: Uncertain significance. Last evaluated: 2022-09-27. Review status: criteria provided, single submitter. Criteria: ACMG Guidelines, 2015. Collection method: clinical testing. Allele origin: germline.

Laboratory for Molecular Medicine, Mass General Brigham Personalized Medicine
Classification: Uncertain significance. Last evaluated: 2014-01-22. Review status: criteria provided, single submitter. Criteria: LMM Criteria. Collection method: clinical testing. Allele origin: germline. Observed: 1 variant allele.
Comment: The Pro25583Thr variant in TTN has not been previously reported in individuals w ith cardiomyopathy or in large population studies. Computational analyses (bioch emical amino acid properties, conservation, AlignGVGD, PolyPhen2, and SIFT) do n ot provide strong support for or against an impact to the protein. Additional in formation is needed to fully assess the clinical significance of the Pro25583Thr variant.